The following is an entry in ClinVar:

NM_003823.4(TNFRSF6B):c.557C>G (p.Ser186Cys)

Genes: RTEL1-TNFRSF6B (RTEL1-TNFRSF6B readthrough (NMD candidate); plus strand), TNFRSF6B (TNF receptor superfamily member 6b; plus strand). Cytogenetic location: 20q13.33.
Variant type: single nucleotide variant.
Coding change: c.557C>G on transcript NM_003823.4 (MANE Select); coding-DNA position 557, C replaced by G.
Protein change: p.Ser186Cys; replaces serine 186 with cysteine.
Molecular consequence: missense variant. On other transcripts: non-coding transcript variant (1).
Genome position (GRCh38, 1-based): chr20:63,697,460, C>G. VCF-style: chr20-63697460-C-G. GRCh37 (hg19) VCF-style: chr20-62328813-C-G.
Other names: short protein forms S186C.
Identifiers: ClinVar variation 2794478 (VCV002794478.3), dbSNP rs1323152946, ClinGen allele CA409711699.
Genomic context (GRCh38, chr20:63,697,460, plus strand): 5'-AGCAGTGCCAGCCCCACCGCAACTGCACGGCCCTGGGCCTGGCCCTCAATGTGCCAGGCT[C>G]TTCCTCCCATGACACCCTGTGCACCAGCTGCACTGGCTTCCCCCTCAGCACCAGGGTACC-3'
Protein context (NP_003814.1, residues 176-196): ALGLALNVPG[Ser186Cys]SSHDTLCTSC

ClinVar aggregate classification (germline): Uncertain significance (1 of 4 stars; one submission).

Allele frequency attached by ClinVar (database versions not stated): TOPMed below 0.00001.
gnomAD v4.1: 3 of 1,593,160 alleles (0.00019%); highest among the groups gnomAD compares: Non-Finnish European, 0.00017%; no homozygotes.

Submission:

Labcorp Genetics (formerly Invitae), Labcorp
Classification: Uncertain significance. Last evaluated: 2024-03-17. Review status: criteria provided, single submitter. Criteria: Invitae Variant Classification Sherloc (09022015). Collection method: clinical testing. Allele origin: germline.
Comment: This sequence change replaces serine, which is neutral and polar, with cysteine, which is neutral and slightly polar, at codon 186 of the TNFRSF6B protein (p.Ser186Cys). This variant is present in population databases (no rsID available, gnomAD 0.01%). This variant has not been reported in the literature in individuals affected with TNFRSF6B-related conditions. An algorithm developed to predict the effect of missense changes on protein structure and function (PolyPhen-2) suggests that this variant is likely to be disruptive. In summary, the available evidence is currently insufficient to determine the role of this variant in disease. Therefore, it has been classified as a Variant of Uncertain Significance.